The following is an entry in ClinVar:

ClinVar aggregate classification (germline): Uncertain significance (1 of 4 stars; one submission).

Conditions:
Pontocerebellar hypoplasia, type 1C. Also called: HYPOMYELINATION WITH SPINAL MUSCULAR ATROPHY AND CEREBELLAR HYPOPLASIA. Identifiers: Orphanet 2254, MedGen C4015160, MONDO:0014485, OMIM 616081.

Submission:

Broad Center for Mendelian Genomics, Broad Institute of MIT and Harvard
Classification: Uncertain significance for Pontocerebellar hypoplasia, type 1C. Last evaluated: 2018-12-03. Review status: criteria provided, single submitter. Criteria: ACMG Guidelines, 2015. Collection method: research. Allele origin: germline. Inheritance: Autosomal recessive inheritance. Affected: yes.
Comment: The c.17+1G>T variant in EXOSC8 has not been previously reported in individuals with pontocerebellar hypoplasia but was absent from large population studies. This variant occurs in the invariant region (+/- 1/2) of the splice consensus sequence and is predicted to cause altered splicing leading to an abnormal or absent protein. However, loss of function of EXOSC8 in an autosomal recessive disease has not yet been established based on the criteria laid out in Tayoun, 2018 (PMID: 30192042). In summary, while there is some suspicion for a pathogenic role, the clinical significance of this variant is uncertain. ACMG/AMP Criteria applied: PM2, PP3 (Richards 2015).

NM_181503.3(EXOSC8):c.17+1G>T

Genes: EXOSC8 (exosome component 8; plus strand), LOC130009581 (ATAC-STARR-seq lymphoblastoid active region 7593; plus strand). Cytogenetic location: 13q13.3.
Variant type: single nucleotide variant.
Coding change: c.17+1G>T on transcript NM_181503.3 (MANE Select); the canonical splice donor site of the intron after coding-DNA position 17, G replaced by T.
Molecular consequence: splice donor variant.
Genome position (GRCh38, 1-based): chr13:37,000,823, G>T. VCF-style: chr13-37000823-G-T. GRCh37 (hg19) VCF-style: chr13-37574960-G-T.
Identifiers: ClinVar variation 813914 (VCV000813914.1), dbSNP rs1412754843, ClinGen allele CA387867374.